The following is an entry in ClinVar:

NM_005431.2(XRCC2):c.485G>T (p.Gly162Val)

Gene: XRCC2 (X-ray repair cross complementing 2; minus strand). Cytogenetic location: 7q36.1.
Variant type: single nucleotide variant.
Coding change: c.485G>T on transcript NM_005431.2 (MANE Select); coding-DNA position 485, G replaced by T.
Protein change: p.Gly162Val; replaces glycine 162 with valine.
Molecular consequence: missense variant.
Genome position (GRCh38, 1-based): chr7:152,649,000, C>A on the plus strand (G>T on the coding strand, the complement: XRCC2 is on the minus strand). VCF-style: chr7-152649000-C-A. GRCh37 (hg19) VCF-style: chr7-152346085-C-A.
Other names: c.485G>T (NM_005431.1); short protein forms G162V.
Identifiers: ClinVar variation 3007292 (VCV003007292.4), dbSNP rs2485881216, ClinGen allele CA370198591.

ClinVar aggregate classification (germline): Uncertain significance. Review status: criteria provided, multiple submitters, no conflicts (2 of 4 stars). 2 submissions from 2 submitters: Uncertain significance (2). Last evaluated 2026-06-25.

Conditions:
Hereditary cancer-predisposing syndrome. Also called: Hereditary Cancer Syndrome; Hereditary neoplastic syndrome; Neoplastic Syndromes, Hereditary; Tumor predisposition. Identifiers: Orphanet 140162, MedGen C0027672, MeSH D009386, MONDO:0015356.

Submissions (2):

Ambry Genetics
Classification: Uncertain significance for Hereditary cancer-predisposing syndrome. Last evaluated: 2026-06-25. Review status: criteria provided, single submitter. Criteria: Ambry Variant Classification Scheme 2023. Collection method: clinical testing. Allele origin: germline.
Comment: The p.G162V variant (also known as c.485G>T), located in coding exon 3 of the XRCC2 gene, results from a G to T substitution at nucleotide position 485. The glycine at codon 162 is replaced by valine, an amino acid with dissimilar properties. This amino acid position is conserved. In addition, the in silico prediction for this alteration is inconclusive. Based on the available evidence, the clinical significance of this variant remains unclear.

Labcorp Genetics (formerly Invitae), Labcorp
Classification: Uncertain significance. Last evaluated: 2022-11-07. Review status: criteria provided, single submitter. Criteria: Invitae Variant Classification Sherloc (09022015). Collection method: clinical testing. Allele origin: germline.
Comment: In summary, the available evidence is currently insufficient to determine the role of this variant in disease. Therefore, it has been classified as a Variant of Uncertain Significance. Algorithms developed to predict the effect of missense changes on protein structure and function (SIFT, PolyPhen-2, Align-GVGD) all suggest that this variant is likely to be disruptive. This variant has not been reported in the literature in individuals affected with XRCC2-related conditions. This variant is not present in population databases (gnomAD no frequency). This sequence change replaces glycine, which is neutral and non-polar, with valine, which is neutral and non-polar, at codon 162 of the XRCC2 protein (p.Gly162Val).